The following is an entry in ClinVar:

NM_000891.3(KCNJ2):c.1264C>T (p.Arg422Trp)

Gene: KCNJ2 (potassium inwardly rectifying channel subfamily J member 2; plus strand). Cytogenetic location: 17q24.3.
Variant type: single nucleotide variant.
Coding change: c.1264C>T on transcript NM_000891.3 (MANE Select); coding-DNA position 1264, C replaced by T.
Protein change: p.Arg422Trp; replaces arginine 422 with tryptophan.
Molecular consequence: missense variant.
Genome position (GRCh38, 1-based): chr17:70,176,303, C>T. VCF-style: chr17-70176303-C-T. GRCh37 (hg19) VCF-style: chr17-68172444-C-T.
Other names: short protein forms R422W.
Identifiers: ClinVar variation 1513981 (VCV001513981.7), dbSNP rs1478741381, ClinGen allele CA400864246.

ClinVar aggregate classification (germline): Uncertain significance (1 of 4 stars; one submission).

Conditions:
Andersen Tawil syndrome (LQT7). Also called: Potassium-sensitive periodic paralysis, ventricular ectopy, and dysmorphic features; Andersen Syndrome; LONG QT SYNDROME 7; PERIODIC PARALYSIS, POTASSIUM-SENSITIVE CARDIODYSRHYTHMIC TYPE; ANDERSEN CARDIODYSRHYTHMIC PERIODIC PARALYSIS. Identifiers: Orphanet 37553, MedGen C1563715, MONDO:0008222, OMIM 170390.
Short QT syndrome type 3. Identifiers: Orphanet 51083, MedGen C1865018, MONDO:0012314, OMIM 609622.

Allele frequency attached by ClinVar (database versions not stated): gnomAD exomes below 0.00001; TOPMed below 0.00001.

Submission:

Labcorp Genetics (formerly Invitae), Labcorp
Classification: Uncertain significance for Short QT syndrome type 3; Andersen Tawil syndrome. Last evaluated: 2025-06-14. Review status: criteria provided, single submitter. Criteria: Invitae Variant Classification Sherloc (09022015). Collection method: clinical testing. Allele origin: germline.
Comment: This sequence change replaces arginine, which is basic and polar, with tryptophan, which is neutral and slightly polar, at codon 422 of the KCNJ2 protein (p.Arg422Trp). This variant is present in population databases (no rsID available, gnomAD 0.003%). This variant has not been reported in the literature in individuals affected with KCNJ2-related conditions. ClinVar contains an entry for this variant (Variation ID: 1513981). Invitae Evidence Modeling of protein sequence and biophysical properties (such as structural, functional, and spatial information, amino acid conservation, physicochemical variation, residue mobility, and thermodynamic stability) indicates that this missense variant is expected to disrupt KCNJ2 protein function with a positive predictive value of 95%. In summary, the available evidence is currently insufficient to determine the role of this variant in disease. Therefore, it has been classified as a Variant of Uncertain Significance.